The following is an entry in ClinVar:

ClinVar aggregate classification (germline): Likely pathogenic. Review status: criteria provided, multiple submitters, no conflicts (2 of 4 stars). 3 submissions from 3 submitters: Likely pathogenic (3). Last evaluated 2024-01-09.

Conditions:
Primary familial dilated cardiomyopathy (FDC). Also called: Familial dilated cardiomyopathy; Hypokinetic dilated cardiomyopathy, familial. Identifiers: Orphanet 217607, MedGen C0340427, MONDO:0016333.
Dilated cardiomyopathy 1G (CMD1G). Identifiers: Orphanet 154, MedGen C1858763, MONDO:0011400, OMIM 604145.
Autosomal recessive limb-girdle muscular dystrophy type 2J (LGMDR10). Also called: Limb-girdle muscular dystrophy, type 2J; MUSCULAR DYSTROPHY, LIMB-GIRDLE, AUTOSOMAL RECESSIVE 10. Identifiers: Orphanet 140922, MedGen C1837342, MONDO:0012127, OMIM 608807.
Primary dilated cardiomyopathy (DCM). Also called: Dilated Cardiomyopathy. Identifiers: Orphanet 217604, MedGen C0007193, MeSH D002311, MONDO:0005021, HP:0001644. Inheritance: Various modes of inheritance.

Submissions (3):

Labcorp Genetics (formerly Invitae), Labcorp
Classification: Likely pathogenic for Dilated cardiomyopathy 1G; Autosomal recessive limb-girdle muscular dystrophy type 2J. Last evaluated: 2024-01-09. Review status: criteria provided, single submitter. Criteria: Invitae Variant Classification Sherloc (09022015). Collection method: clinical testing. Allele origin: germline.
Comment: This sequence change creates a premature translational stop signal (p.Glu27178*) in the TTN gene. While this is not anticipated to result in nonsense mediated decay, it is expected to create a truncated TTN protein. This variant is not present in population databases (gnomAD no frequency). This premature translational stop signal has been observed in individual(s) with pediatric dilated cardiomyopathy and/or TTN-related conditions (PMID: 21520333, 34935411). This variant is also known as p.Glu24610*. ClinVar contains an entry for this variant (Variation ID: 47397). This variant is located in the A band of TTN (PMID: 25589632). Truncating variants in this region are significantly overrepresented in patients affected with dilated cardiomyopathy (PMID: 25589632). Truncating variants in this region have also been reported in individuals affected with autosomal recessive centronuclear myopathy (PMID: 23975875). In summary, the currently available evidence indicates that the variant is pathogenic, but additional data are needed to prove that conclusively. Therefore, this variant has been classified as Likely Pathogenic.

Women's Health and Genetics/Laboratory Corporation of America, LabCorp
Classification: Likely pathogenic for Primary familial dilated cardiomyopathy. Last evaluated: 2021-01-28. Review status: criteria provided, single submitter. Criteria: LabCorp Variant Classification Summary - May 2015. Collection method: clinical testing. Allele origin: germline.
Comment: Variant summary: TTN c.73828G>T (p.Glu24610X) results in a premature termination codon, predicted to cause a truncation of the encoded protein or absence of the protein due to nonsense mediated decay, which are commonly known mechanisms for disease. This variant is located in exon 275 with high expression in heart. Frameshift and other truncating variants in TTN are strongly associated with DCM if they are located in the exons encoding for the A-band (PMID: 22335739, PMID: 24503780) and/or are located in an exon that is highly expressed in the heart (PMID: 25589632). The variant was absent in 248196 control chromosomes (gnomAD). To our knowledge, no occurrence of c.73828G>T in individuals affected with Dilated Cardiomyopathy and no experimental evidence demonstrating its impact on protein function have been reported. One ClinVar submitter (evaluation after 2014) cite the variant as likely pathogenic. Based on the evidence outlined above, the variant was classified as likely pathogenic.

Laboratory for Molecular Medicine, Mass General Brigham Personalized Medicine
Classification: Likely pathogenic for Primary dilated cardiomyopathy. Last evaluated: 2017-01-16. Review status: criteria provided, single submitter. Criteria: LMM Criteria. Collection method: clinical testing. Allele origin: germline. Inheritance: Autosomal dominant inheritance. Observed: 3 variant alleles.
Comment: proposed classification - variant undergoing re-assessment, contact laboratory

Literature cited by the submitters: PubMed 21520333 (cited by Labcorp Genetics (formerly Invitae), Labcorp); PubMed 34935411 (cited by Labcorp Genetics (formerly Invitae), Labcorp); PubMed 25589632 (cited by Labcorp Genetics (formerly Invitae), Labcorp); PubMed 23975875 (cited by Labcorp Genetics (formerly Invitae), Labcorp).

NM_001267550.2(TTN):c.81532G>T (p.Glu27178Ter)

Genes: TTN-AS1 (TTN antisense RNA 1; plus strand), TTN (titin; minus strand). Cytogenetic location: 2q31.2.
Variant type: single nucleotide variant.
Coding change: c.81532G>T on transcript NM_001267550.2 (MANE Select); coding-DNA position 81532, G replaced by T.
Protein change: p.Glu27178Ter; replaces glutamic acid 27178 with a stop codon.
Molecular consequence: nonsense.
Genome position (GRCh38, 1-based): chr2:178,564,600, C>A on the plus strand (G>T on the coding strand, the complement: TTN is on the minus strand). VCF-style: chr2-178564600-C-A. GRCh37 (hg19) VCF-style: chr2-179429327-C-A.
Other names: c.76609G>T, p.Glu25537Ter (NM_001256850.1); c.54337G>T, p.Glu18113Ter (NM_003319.4); c.54712G>T, p.Glu18238Ter (NM_133432.3); c.54913G>T, p.Glu18305Ter (NM_133437.4); c.73828G>T, p.Glu24610Ter (NM_133378.4); short protein forms E27178*, E24610*, E18238*, E18305*, E25537*, E18113*.
Identifiers: ClinVar variation 47397 (VCV000047397.15), dbSNP rs397517721, ClinGen allele CA261909.